The following is an entry in ClinVar:

ClinVar aggregate classification (germline): Benign/Likely benign. Review status: criteria provided, multiple submitters, no conflicts (2 of 4 stars). 13 submissions from 12 submitters: Benign (10); Likely benign (1). 2 of the submissions do not count toward it. Last evaluated 2026-02-01.

Conditions:
MYH9-related disorder. Identifiers: MedGen C1854520.
Atypical hemolytic-uremic syndrome. Identifiers: Orphanet 2134, MedGen C2931788, MONDO:0016244.
Autosomal dominant nonsyndromic hearing loss 17. Also called: Deafness, autosomal dominant 17; Autosomal dominant nonsyndromic deafness 17. Identifiers: Orphanet 90635, MedGen C1863659, MONDO:0011350, OMIM 603622.

Allele frequency attached by ClinVar (database versions not stated): TOPMed 0.02738; 1000 Genomes Project 0.02756; ESP Exome Variant Server 0.02838; 1000 Genomes Project 30x 0.02858.
gnomAD v4.1: 7,748 of 1,611,586 alleles (0.48%); highest among the groups gnomAD compares: African/African-American, 8.7%; 302 homozygotes.

Submissions (13):

Labcorp Genetics (formerly Invitae), Labcorp
Classification: Benign. Last evaluated: 2026-02-01. Review status: criteria provided, single submitter. Criteria: Invitae Variant Classification Sherloc (09022015). Collection method: clinical testing. Allele origin: germline.

ARUP Laboratories, Molecular Genetics and Genomics, ARUP Laboratories
Classification: Benign. Last evaluated: 2025-05-21. Review status: criteria provided, single submitter. Criteria: ARUP Molecular Germline Variant Investigation Process 2024. Collection method: clinical testing. Allele origin: germline.

Blueprint Genetics
Classification: Likely benign. Last evaluated: 2024-11-26. Review status: criteria provided, single submitter. Criteria: ACMG Guidelines, 2015. Collection method: clinical testing. Allele origin: germline.

Mayo Clinic Laboratories, Mayo Clinic
Classification: Benign. Last evaluated: 2023-08-16. Review status: criteria provided, single submitter. Criteria: ACMG Guidelines, 2015. Collection method: clinical testing. Allele origin: germline. Observed: 20 variant alleles.

Genome Diagnostics Laboratory, The Hospital for Sick Children
Classification: Benign for Atypical hemolytic-uremic syndrome. Last evaluated: 2022-08-06. Review status: criteria provided, single submitter. Criteria: ACMG Guidelines, 2015. Collection method: clinical testing. Allele origin: germline.

GeneDx
Classification: Benign. Last evaluated: 2018-02-16. Review status: criteria provided, single submitter. Criteria: GeneDx Variant Classification (06012015). Collection method: clinical testing. Allele origin: germline. Affected: yes.
Comment: This variant is considered likely benign or benign based on one or more of the following criteria: it is a conservative change, it occurs at a poorly conserved position in the protein, it is predicted to be benign by multiple in silico algorithms, and/or has population frequency not consistent with disease.

Illumina Laboratory Services, Illumina
Classification: Benign for MYH9-related disorder. Last evaluated: 2017-04-27. Review status: criteria provided, single submitter. Criteria: ICSL Variant Classification Criteria 13 December 2019. Collection method: clinical testing. Allele origin: germline.
Comment: This variant was observed as part of a predisposition screen in an ostensibly healthy population. A literature search was performed for the gene, cDNA change, and amino acid change (where applicable). No publications were found based on this search. Allele frequency data from public databases was too high to be consistent with this variant causing disease. Therefore, this variant is classified as benign.

Illumina Laboratory Services, Illumina
Classification: Benign for Autosomal dominant nonsyndromic hearing loss 17. Last evaluated: 2017-04-27. Review status: criteria provided, single submitter. Criteria: ICSL Variant Classification Criteria 13 December 2019. Collection method: clinical testing. Allele origin: germline.
Comment: the same text as in the submission from Illumina Laboratory Services, Illumina above.

Laboratory for Molecular Medicine, Mass General Brigham Personalized Medicine
Classification: Benign. Last evaluated: 2012-05-07. Review status: criteria provided, single submitter. Criteria: LMM Criteria. Collection method: clinical testing. Allele origin: germline. Observed: 30 variant alleles.
Comment: "Pro1927Pro in Exon 41 of MYH9: This variant is not expected to have clinical si gnificance because it does not alter an amino acid residue, is not located withi n the splice consensus sequence, and has been identified in 7.9% (296/3738) of A frican American chromosomes from a broad population by the NHLBI Exome Sequencin g Project (dbSNP rs80050551)."

Breakthrough Genomics
Classification: Benign. Review status: criteria provided, single submitter. Criteria: ACMG Guidelines, 2015. Collection method: not provided. Allele origin: germline. Inheritance: Autosomal dominant inheritance. Affected: yes.

PreventionGenetics, part of Exact Sciences
Classification: Benign. Review status: criteria provided, single submitter. Criteria: ACMG Guidelines, 2015. Collection method: clinical testing. Allele origin: germline.

Genome Diagnostics Laboratory, University Medical Center Utrecht
Classification: Benign. Review status: no assertion criteria provided. Collection method: clinical testing. Allele origin: germline. Affected: yes. Study: VKGL Data-share Consensus. Not counted in ClinVar's aggregate classification.

Joint Genome Diagnostic Labs from Nijmegen and Maastricht, Radboudumc and MUMC+
Classification: Benign. Review status: no assertion criteria provided. Collection method: clinical testing. Allele origin: germline. Affected: yes. Study: VKGL Data-share Consensus. Not counted in ClinVar's aggregate classification.

NM_002473.6(MYH9):c.5781G>T (p.Pro1927=)

Gene: MYH9 (myosin heavy chain 9; minus strand). Cytogenetic location: 22q12.3.
Variant type: single nucleotide variant.
Coding change: c.5781G>T on transcript NM_002473.6 (MANE Select); coding-DNA position 5781, G replaced by T.
Protein change: p.Pro1927=; no amino-acid change (proline 1927 retained).
Molecular consequence: synonymous variant.
Genome position (GRCh38, 1-based): chr22:36,282,770, C>A on the plus strand (G>T on the coding strand, the complement: MYH9 is on the minus strand). VCF-style: chr22-36282770-C-A. GRCh37 (hg19) VCF-style: chr22-36678816-C-A.
Other names: p.Pro1927=.
Identifiers: ClinVar variation 44572 (VCV000044572.28), dbSNP rs80050551, ClinGen allele CA134561.
Genomic context (GRCh38, chr22:36,282,770, plus strand): 5'-TACCTCTTCGTCGGAGCCATCCCCGGCGCCTTTCCGGGCCATTCGGCGGGGCACGACAAA[C>A]GGCAGGTCCCCGCGCCTGGGGGCAGAGGTAGAAGCAGAGGGTCAGCGGGCCCGGCCAGGC-3'
Protein context (NP_002464.1, residues 1917-1937): LKNKLRRGDL[Pro1927=]FVVPRRMARK